The following is an entry in ClinVar:

ClinVar aggregate classification (germline): Uncertain significance (1 of 4 stars; one submission).

Allele frequency attached by ClinVar (database versions not stated): gnomAD exomes below 0.00001; TOPMed below 0.00001; gnomAD 0.00001.
gnomAD v4.1: 4 of 1,612,812 alleles (0.00025%); highest among the groups gnomAD compares: Non-Finnish European, 0.00034%; no homozygotes.

Submission:

Labcorp Genetics (formerly Invitae), Labcorp
Classification: Uncertain significance. Last evaluated: 2021-06-19. Review status: criteria provided, single submitter. Criteria: Invitae Variant Classification Sherloc (09022015). Collection method: clinical testing. Allele origin: germline.
Comment: In summary, the available evidence is currently insufficient to determine the role of this variant in disease. Therefore, it has been classified as a Variant of Uncertain Significance. Algorithms developed to predict the effect of missense changes on protein structure and function output the following: SIFT: "Tolerated"; PolyPhen-2: "Benign"; Align-GVGD: "Class C0". The alanine amino acid residue is found in multiple mammalian species, suggesting that this missense change does not adversely affect protein function. These predictions have not been confirmed by published functional studies and their clinical significance is uncertain. This variant has not been reported in the literature in individuals with PTPN23-related conditions. This variant is not present in population databases (ExAC no frequency). This sequence change replaces valine with alanine at codon 1188 of the PTPN23 protein (p.Val1188Ala). The valine residue is weakly conserved and there is a small physicochemical difference between valine and alanine.

NM_015466.4(PTPN23):c.3563T>C (p.Val1188Ala)

Gene: PTPN23 (protein tyrosine phosphatase non-receptor type 23; plus strand). Cytogenetic location: 3p21.31.
Variant type: single nucleotide variant.
Coding change: c.3563T>C on transcript NM_015466.4 (MANE Select); coding-DNA position 3563, T replaced by C.
Protein change: p.Val1188Ala; replaces valine 1188 with alanine.
Molecular consequence: missense variant.
Genome position (GRCh38, 1-based): chr3:47,411,361, T>C. VCF-style: chr3-47411361-T-C. GRCh37 (hg19) VCF-style: chr3-47452851-T-C.
Other names: c.3185T>C, p.Val1062Ala (NM_001304482.2); short protein forms V1062A, V1188A.
Identifiers: ClinVar variation 1496583 (VCV001496583.7), dbSNP rs1335000654, ClinGen allele CA352562788.